The following is an entry in ClinVar:

NM_000030.3(AGXT):c.190A>T (p.Ile64Phe)

Gene: AGXT (alanine--glyoxylate aminotransferase; plus strand). Cytogenetic location: 2q37.3.
Variant type: single nucleotide variant.
Coding change: c.190A>T on transcript NM_000030.3 (MANE Select); coding-DNA position 190, A replaced by T.
Protein change: p.Ile64Phe; replaces isoleucine 64 with phenylalanine.
Molecular consequence: missense variant.
Genome position (GRCh38, 1-based): chr2:240,869,194, A>T. VCF-style: chr2-240869194-A-T. GRCh37 (hg19) VCF-style: chr2-241808611-A-T.
Other names: short protein forms I64F.
Identifiers: ClinVar variation 2664117 (VCV002664117.2), dbSNP rs2528739981, ClinGen allele CA351313398.
Genomic context (GRCh38, chr2:240,869,194, plus strand): 5'-GGAGCCTGGGTCTCACCCTATACCACCCGCATGCAGATCATGGACGAGATCAAGGAAGGC[A>T]TCCAGTACGTGTTCCAGACCAGGAACCCACTCACACTGGTCATCTCTGGCTCGGGACACT-3'
Protein context (NP_000021.1, residues 54-74): YQIMDEIKEG[Ile64Phe]QYVFQTRNPL

ClinVar aggregate classification (germline): Conflicting classifications of pathogenicity. Review status: criteria provided, conflicting classifications (1 of 4 stars). 2 submissions from 2 submitters: Likely pathogenic (1); Uncertain significance (1). Last evaluated 2023-11-30.

Conditions:
Primary hyperoxaluria, type I (HP1). Also called: OXALOSIS I; Primary hyperoxaluria type 1; GLYCOLIC ACIDURIA; HEPATIC AGT DEFICIENCY. Identifiers: Orphanet 416, Orphanet 93598, MedGen C0268164, MONDO:0009823, OMIM 259900. Disease mechanism: loss of function.

Submissions (2):

Women's Health and Genetics/Laboratory Corporation of America, LabCorp
Classification: Uncertain significance. Last evaluated: 2023-11-30. Review status: criteria provided, single submitter. Criteria: LabCorp Variant Classification Summary - May 2015. Collection method: clinical testing. Allele origin: germline.
Comment: Variant summary: AGXT c.190A>T (p.Ile64Phe) results in a non-conservative amino acid change located in the aminotransferase class V domain (IPR000192) of the encoded protein sequence. Five of five in-silico tools predict a damaging effect of the variant on protein function. The variant was absent in 251324 control chromosomes (gnomAD). c.190A>T has been reported in the literature in the compound heterozygous state in trans with a pathogenic variant in two individuals affected with Primary Hyperoxaluria Type 1 (Lin_2021). These data indicate that the variant may be associated with disease. To our knowledge, no experimental evidence demonstrating an impact on protein function has been reported. The following publication has been ascertained in the context of this evaluation (PMID: 33721035). No submitters have cited clinical-significance assessments for this variant to ClinVar after 2014. Based on the evidence outlined above, the variant was classified as VUS-possibly pathogenic.

Rare Kidney Stone Consortium and the Mayo Clinic Hyperoxaluria Center, Mayo Clinic
Classification: Likely pathogenic for Primary hyperoxaluria, type I. Last evaluated: 2023-10-27. Review status: criteria provided, single submitter. Criteria: ACMG Guidelines, 2015. Collection method: clinical testing. Allele origin: germline. Affected: yes.
Comment: ACMG:PM2 PM3 PP3 PP4

Literature cited by the submitters: PubMed 33721035 (cited by Women's Health and Genetics/Laboratory Corporation of America, LabCorp); PubMed 25644115 (cited by Rare Kidney Stone Consortium and the Mayo Clinic Hyperoxaluria Center, Mayo Clinic).